The following is an entry in ClinVar:

ClinVar aggregate classification (germline): Likely benign. Review status: criteria provided, multiple submitters, no conflicts (2 of 4 stars). 7 submissions from 7 submitters: Likely benign (6). 1 of the submissions does not count toward it. Last evaluated 2026-05-27.

Conditions:
ADGRV1-related disorder. Also called: ADGRV1-related disorders; ADGRV1-related condition.
Inborn genetic diseases. Identifiers: MedGen C0950123, MeSH D030342.

Allele frequency attached by ClinVar (database versions not stated): gnomAD exomes 0.00020; ExAC 0.00025; gnomAD 0.00072 and 0.00078; TOPMed 0.00082; 1000 Genomes Project 30x 0.00094; 1000 Genomes Project 0.00100; ESP Exome Variant Server 0.00125.
gnomAD v4.1: 188 of 1,606,418 alleles (0.012%); highest among the groups gnomAD compares: African/African-American, 0.23%; no homozygotes.

Submissions (7):

Women's Health and Genetics/Laboratory Corporation of America, LabCorp
Classification: Likely benign. Last evaluated: 2026-05-27. Review status: criteria provided, single submitter. Criteria: LabCorp Variant Classification Summary - May 2015. Collection method: clinical testing. Allele origin: germline.
Comment: Variant summary: ADGRV1 c.10952A>G (p.Tyr3651Cys) results in a non-conservative amino acid change in the encoded protein sequence. Algorithms developed to predict the effect of missense changes on protein structure and function are either unavailable or do not agree on the potential impact of this missense change. The variant allele was found at a frequency of 0.0002 in 247636 control chromosomes, predominantly at a frequency of 0.003 within the African or African-American subpopulation in the gnomAD database. The observed variant frequency within African or African-American control individuals in the gnomAD database exceeds the estimated maximal expected allele frequency for disease-causing variants in ADGRV1. To our knowledge, no occurrence of c.10952A>G in individuals affected with ADGRV1-related conditions and no experimental evidence demonstrating its impact on protein function have been reported. ClinVar contains an entry for this variant (Variation ID: 504582). Based on the evidence outlined above, the variant was classified as likely benign.

Labcorp Genetics (formerly Invitae), Labcorp
Classification: Likely benign. Last evaluated: 2026-01-28. Review status: criteria provided, single submitter. Criteria: Invitae Variant Classification Sherloc (09022015). Collection method: clinical testing. Allele origin: germline.

Blueprint Genetics
Classification: Likely benign. Last evaluated: 2024-03-08. Review status: criteria provided, single submitter. Criteria: ACMG Guidelines, 2015. Collection method: clinical testing. Allele origin: germline.

Ambry Genetics
Classification: Likely benign for Inborn genetic diseases. Last evaluated: 2023-03-21. Review status: criteria provided, single submitter. Criteria: Ambry Variant Classification Scheme 2023. Collection method: clinical testing. Allele origin: germline.

GeneDx
Classification: Likely benign. Last evaluated: 2019-04-17. Review status: criteria provided, single submitter. Criteria: GeneDx Variant Classification Process June 2021. Collection method: clinical testing. Allele origin: germline. Affected: yes.

Laboratory for Molecular Medicine, Mass General Brigham Personalized Medicine
Classification: Likely benign. Last evaluated: 2016-08-24. Review status: criteria provided, single submitter. Criteria: LMM Criteria. Collection method: clinical testing. Allele origin: germline. Observed: 1 variant allele.
Comment: p.Tyr3651Cys in exon 52 of GPR98: This variant is not expected to have clinical significance because it has been identified in 0.3% (30/9578) of African chromos omes by the Exome Aggregation Consortium (ExAC; rs200106260).

PreventionGenetics, part of Exact Sciences
Classification: Likely benign for ADGRV1-related condition. Last evaluated: 2022-02-28. Review status: no assertion criteria provided. Collection method: clinical testing. Allele origin: germline. Not counted in ClinVar's aggregate classification.
Comment: This variant is classified as likely benign based on ACMG/AMP sequence variant interpretation guidelines (Richards et al. 2015 PMID: 25741868, with internal and published modifications).

NM_032119.4(ADGRV1):c.10952A>G (p.Tyr3651Cys)

Gene: ADGRV1 (adhesion G protein-coupled receptor V1; plus strand). Cytogenetic location: 5q14.3.
Variant type: single nucleotide variant.
Coding change: c.10952A>G on transcript NM_032119.4 (MANE Select); coding-DNA position 10952, A replaced by G.
Protein change: p.Tyr3651Cys; replaces tyrosine 3651 with cysteine.
Molecular consequence: missense variant. On other transcripts: non-coding transcript variant (1).
Genome position (GRCh38, 1-based): chr5:90,745,773, A>G. VCF-style: chr5-90745773-A-G. GRCh37 (hg19) VCF-style: chr5-90041590-A-G.
Other names: short protein forms Y3651C.
Identifiers: ClinVar variation 504582 (VCV000504582.21), dbSNP rs200106260, ClinGen allele CA3340853.
Genomic context (GRCh38, chr5:90,745,773, plus strand): 5'-GAGCAGAGATTGGCATTAATGATTCTGTAACAATAACCATTCTGTCTAATGATGATGCCT[A>G]TGGAATTGTTGCATTTGCTCAGGTAATGATACTGAAGACCCCACACTTGCAATGCAAAAT-3'
Protein context (NP_115495.3, residues 3641-3661): TITILSNDDA[Tyr3651Cys]GIVAFAQNSL